The following is an entry in ClinVar:

NM_004369.4(COL6A3):c.1780G>A (p.Glu594Lys)

Gene: COL6A3 (collagen type VI alpha 3 chain; minus strand). Cytogenetic location: 2q37.3.
Variant type: single nucleotide variant.
Coding change: c.1780G>A on transcript NM_004369.4 (MANE Select); coding-DNA position 1780, G replaced by A.
Protein change: p.Glu594Lys; replaces glutamic acid 594 with lysine.
Molecular consequence: missense variant.
Genome position (GRCh38, 1-based): chr2:237,381,032, C>T on the plus strand (G>A on the coding strand, the complement: COL6A3 is on the minus strand). VCF-style: chr2-237381032-C-T. GRCh37 (hg19) VCF-style: chr2-238289675-C-T.
Other names: c.559G>A, p.Glu187Lys (NM_057164.5, NM_057166.5); c.1162G>A, p.Glu388Lys (NM_057165.5, NM_057167.4); short protein forms E594K, E187K, E388K.
Identifiers: ClinVar variation 1960312 (VCV001960312.5), dbSNP rs762715536, ClinGen allele CA2189560.

ClinVar aggregate classification (germline): Uncertain significance (1 of 4 stars; one submission).

Conditions:
Bethlem myopathy 1A. Also called: MYOPATHY, BENIGN CONGENITAL, WITH CONTRACTURES; Bethlem myopathy 1; Bethlem Muscular Dystrophy. Identifiers: Orphanet 610, MedGen CN029274, MONDO:0024530, OMIM 158810.

Allele frequency attached by ClinVar (database versions not stated): ExAC 0.00001; gnomAD 0.00001; TOPMed 0.00002.
gnomAD v4.1: 2 of 1,614,130 alleles (0.00012%); highest among the groups gnomAD compares: Admixed American, 0.0017%; no homozygotes.

Submission:

Labcorp Genetics (formerly Invitae), Labcorp
Classification: Uncertain significance for Bethlem myopathy 1A. Last evaluated: 2023-08-30. Review status: criteria provided, single submitter. Criteria: Invitae Variant Classification Sherloc (09022015). Collection method: clinical testing. Allele origin: germline.
Comment: This variant has not been reported in the literature in individuals affected with COL6A3-related conditions. This sequence change replaces glutamic acid, which is acidic and polar, with lysine, which is basic and polar, at codon 594 of the COL6A3 protein (p.Glu594Lys). This variant is not present in population databases (gnomAD no frequency). ClinVar contains an entry for this variant (Variation ID: 1960312). Advanced modeling of protein sequence and biophysical properties (such as structural, functional, and spatial information, amino acid conservation, physicochemical variation, residue mobility, and thermodynamic stability) performed at Invitae indicates that this missense variant is not expected to disrupt COL6A3 protein function. In summary, the available evidence is currently insufficient to determine the role of this variant in disease. Therefore, it has been classified as a Variant of Uncertain Significance.